The following is an entry in ClinVar:

ClinVar aggregate classification (germline): Likely benign (0 of 4 stars; one submission).

Conditions:
ARHGAP26-related disorder. Also called: ARHGAP26-related condition.

Allele frequency attached by ClinVar (database versions not stated): gnomAD 0.00004; TOPMed 0.00006; ExAC 0.00007.
gnomAD v4.1: 120 of 1,577,658 alleles (0.0076%); highest among the groups gnomAD compares: Middle Eastern, 0.017%; no homozygotes.

Submission:

PreventionGenetics, part of Exact Sciences
Classification: Likely benign for ARHGAP26-related condition. Last evaluated: 2019-06-10. Review status: no assertion criteria provided. Collection method: clinical testing. Allele origin: germline.
Comment: This variant is classified as likely benign based on ACMG/AMP sequence variant interpretation guidelines (Richards et al. 2015 PMID: 25741868, with internal and published modifications).

NM_001135608.3(ARHGAP26):c.1285+9C>T

Gene: ARHGAP26 (Rho GTPase activating protein 26; plus strand). Cytogenetic location: 5q31.3.
Variant type: single nucleotide variant.
Coding change: c.1285+9C>T on transcript NM_001135608.3 (MANE Select); 9 bases into the intron after coding-DNA position 1285, C replaced by T.
Molecular consequence: intron variant.
Genome position (GRCh38, 1-based): chr5:143,041,899, C>T. VCF-style: chr5-143041899-C-T. GRCh37 (hg19) VCF-style: chr5-142421464-C-T.
Other names: c.1285+9C>T (NM_015071.6); c.1177+9C>T (NM_001349547.2).
Identifiers: ClinVar variation 3033379 (VCV003033379.2), dbSNP rs754571590, ClinGen allele CA3486276.